The following is an entry in ClinVar:

ClinVar aggregate classification (germline): Benign. Review status: criteria provided, multiple submitters, no conflicts (2 of 4 stars). 2 submissions from 2 submitters: Benign (2). Last evaluated 2018-01-12.

Conditions:
Torsion dystonia 6 (DYT6). Also called: DYT-THAP1. Identifiers: Orphanet 98806, MedGen C1414216, MONDO:0011264, OMIM 602629.

Allele frequency attached by ClinVar (database versions not stated): 1000 Genomes Project 0.07528; gnomAD 0.07661 and 0.08153; 1000 Genomes Project 30x 0.07776; TOPMed 0.08064.

Submissions (2):

Illumina Laboratory Services, Illumina
Classification: Benign for Torsion dystonia 6. Last evaluated: 2018-01-12. Review status: criteria provided, single submitter. Criteria: ICSL Variant Classification Criteria 13 December 2019. Collection method: clinical testing. Allele origin: germline.
Comment: This variant was observed in the ICSL laboratory as part of a predisposition screen in an ostensibly healthy population. It had not been previously curated by ICSL or reported in the Human Gene Mutation Database (HGMD: prior to June 1st, 2018), and was therefore a candidate for classification through an automated scoring system. Utilizing variant allele frequency, disease prevalence and penetrance estimates, and inheritance mode, an automated score was calculated to assess if this variant is too frequent to cause the disease. Based on the score and internal cut-off values, a variant classified as benign is not then subjected to further curation. The score for this variant resulted in a classification of benign for this disease.

Breakthrough Genomics
Classification: Benign. Review status: criteria provided, single submitter. Criteria: ACMG Guidelines, 2015. Collection method: not provided. Allele origin: germline. Inheritance: Autosomal dominant inheritance. Affected: yes.

NM_018105.3(THAP1):c.*803G>A

Gene: THAP1 (THAP domain containing 1; minus strand). Cytogenetic location: 8p11.21.
Variant type: single nucleotide variant.
Coding change: c.*803G>A on transcript NM_018105.3 (MANE Select); 803 bases downstream of the stop codon, G replaced by A.
Molecular consequence: 3 prime UTR variant.
Genome position (GRCh38, 1-based): chr8:42,837,159, C>T on the plus strand (G>A on the coding strand, the complement: THAP1 is on the minus strand). VCF-style: chr8-42837159-C-T. GRCh37 (hg19) VCF-style: chr8-42692302-C-T.
Other names: c.*1087G>A (NM_199003.2).
Identifiers: ClinVar variation 363111 (VCV000363111.6), dbSNP rs59531993, ClinGen allele CA10631122.